The following is an entry in ClinVar:

ClinVar aggregate classification (germline): Uncertain significance. Review status: criteria provided, multiple submitters, no conflicts (2 of 4 stars). 4 submissions from 4 submitters: Uncertain significance (3). 1 of the submissions does not count toward it. Last evaluated 2026-03-05.

Conditions:
Retinal dystrophy. Also called: Inherited retinal dystrophy. Identifiers: Orphanet 71862, MedGen C0854723, MeSH D058499, MONDO:0019118, HP:0000556.

Allele frequency attached by ClinVar (database versions not stated): 1000 Genomes Project 30x 0.00016; gnomAD 0.00016 and 0.00017; gnomAD exomes 0.00017 and 0.00024; 1000 Genomes Project 0.00020; ExAC 0.00020; TOPMed 0.00022; ESP Exome Variant Server 0.00023.
gnomAD v4.1: 375 of 1,611,848 alleles (0.023%); highest among the groups gnomAD compares: Non-Finnish European, 0.023%; no homozygotes.

Submissions (4):

Women's Health and Genetics/Laboratory Corporation of America, LabCorp
Classification: Uncertain significance. Last evaluated: 2026-03-05. Review status: criteria provided, single submitter. Criteria: LabCorp Variant Classification Summary - May 2015. Collection method: clinical testing. Allele origin: germline.
Comment: Variant summary: TUBGCP6 c.4513G>A (p.Asp1505Asn) results in a conservative amino acid change in the encoded protein sequence. Algorithms developed to predict the effect of missense changes on protein structure and function are either unavailable or do not agree on the potential impact of this missense change. The variant allele was found at a frequency of 0.00017 in 248250 control chromosomes. This frequency is not significantly higher than estimated for disease-causing variants in TUBGCP6, allowing no conclusion about variant significance. To our knowledge, no occurrence of c.4513G>A in individuals affected with TUBGCP6-related conditions and no experimental evidence demonstrating its impact on protein function have been reported. ClinVar contains an entry for this variant (Variation ID: 852003). Based on the evidence outlined above, the variant was classified as uncertain significance.

Labcorp Genetics (formerly Invitae), Labcorp
Classification: Uncertain significance. Last evaluated: 2025-01-23. Review status: criteria provided, single submitter. Criteria: Invitae Variant Classification Sherloc (09022015). Collection method: clinical testing. Allele origin: germline.
Comment: This sequence change replaces aspartic acid, which is acidic and polar, with asparagine, which is neutral and polar, at codon 1505 of the TUBGCP6 protein (p.Asp1505Asn). This variant is present in population databases (rs201406500, gnomAD 0.2%). This variant has not been reported in the literature in individuals affected with TUBGCP6-related conditions. ClinVar contains an entry for this variant (Variation ID: 852003). An algorithm developed to predict the effect of missense changes on protein structure and function (PolyPhen-2) suggests that this variant is likely to be disruptive. In summary, the available evidence is currently insufficient to determine the role of this variant in disease. Therefore, it has been classified as a Variant of Uncertain Significance.

Blueprint Genetics
Classification: Uncertain significance. Last evaluated: 2024-08-02. Review status: criteria provided, single submitter. Criteria: ACMG Guidelines, 2015. Collection method: clinical testing. Allele origin: germline.

Institute of Human Genetics, Univ. Regensburg, Univ. Regensburg
Classification: Uncertain significance for Retinal dystrophy. Last evaluated: 2022-01-01. Review status: no assertion criteria provided. Criteria: ACMG Guidelines, 2015. Collection method: clinical testing. Allele origin: germline. Affected: yes. Not counted in ClinVar's aggregate classification.

NM_020461.4(TUBGCP6):c.4513G>A (p.Asp1505Asn)

Gene: TUBGCP6 (tubulin gamma complex component 6; minus strand). Cytogenetic location: 22q13.33.
Variant type: single nucleotide variant.
Coding change: c.4513G>A on transcript NM_020461.4 (MANE Select); coding-DNA position 4513, G replaced by A.
Protein change: p.Asp1505Asn; replaces aspartic acid 1505 with asparagine.
Molecular consequence: missense variant.
Genome position (GRCh38, 1-based): chr22:50,219,181, C>T on the plus strand (G>A on the coding strand, the complement: TUBGCP6 is on the minus strand). VCF-style: chr22-50219181-C-T. GRCh37 (hg19) VCF-style: chr22-50657610-C-T.
Other names: short protein forms D1505N.
Identifiers: ClinVar variation 852003 (VCV000852003.10), dbSNP rs201406500, ClinGen allele CA10307461.
Genomic context (GRCh38, chr22:50,219,181, plus strand): 5'-GCAGGAAGTGCCGCAGTGCCTCATAGTGCGCCTCCAGGTGCAGCTCCACGAAGAAGTAGT[C>T]GACAGCGGCCTTGTTCACCAAGGAGATGCTGGCAGGAGGGAGCTGGAGTCAGGGCGGGCC-3'
Protein context (NP_065194.3, residues 1495-1515): HISLVNKAAV[Asp1505Asn]YFFVELHLEA